The following is an entry in ClinVar:

NM_001367624.2(ZNF469):c.10012G>T (p.Asp3338Tyr)

Genes: ZNF469 (zinc finger protein 469; plus strand), LOC130059719 (ATAC-STARR-seq lymphoblastoid silent region 7848; plus strand). Cytogenetic location: 16q24.2.
Variant type: single nucleotide variant.
Coding change: c.10012G>T on transcript NM_001367624.2 (MANE Select); coding-DNA position 10012, G replaced by T.
Protein change: p.Asp3338Tyr; replaces aspartic acid 3338 with tyrosine.
Molecular consequence: missense variant.
Genome position (GRCh38, 1-based): chr16:88,437,482, G>T. VCF-style: chr16-88437482-G-T. GRCh37 (hg19) VCF-style: chr16-88503890-G-T.
Other names: NM_001127464.1:c.9928G>T; short protein forms D3338Y.
Identifiers: ClinVar variation 1368044 (VCV001368044.7), dbSNP rs780605971, ClinGen allele CA397125437.
Genomic context (GRCh38, chr16:88,437,482, plus strand): 5'-GGCGGGGAGCCCCTCCTGCAAGCCACCCCGGTGCACGAGGCCTGCAAGGACCCCTCCCGC[G>T]ACTGCCACCACTGCGGGAAGCGCTTCCCCAAGCCCTTCAAGCTGCAGCGCCACCTGGCGG-3'
Protein context (NP_001354553.1, residues 3328-3348): VHEACKDPSR[Asp3338Tyr]CHHCGKRFPK

ClinVar aggregate classification (germline): Uncertain significance. Review status: criteria provided, multiple submitters, no conflicts (2 of 4 stars). 2 submissions from 2 submitters: Uncertain significance (2). Last evaluated 2024-03-16.

Conditions:
Cardiovascular phenotype. Identifiers: MedGen CN230736.

Submissions (2):

Ambry Genetics
Classification: Uncertain significance for Cardiovascular phenotype. Last evaluated: 2024-03-16. Review status: criteria provided, single submitter. Criteria: Ambry Variant Classification Scheme 2023. Collection method: clinical testing. Allele origin: germline.
Comment: The p.D3310Y variant (also known as c.9928G>T), located in coding exon 2 of the ZNF469 gene, results from a G to T substitution at nucleotide position 9928. The aspartic acid at codon 3310 is replaced by tyrosine, an amino acid with highly dissimilar properties. This amino acid position is conserved. In addition, this alteration is predicted to be tolerated by in silico analysis. Based on the available evidence, the clinical significance of this alteration remains unclear.

Labcorp Genetics (formerly Invitae), Labcorp
Classification: Uncertain significance. Last evaluated: 2021-07-17. Review status: criteria provided, single submitter. Criteria: Invitae Variant Classification Sherloc (09022015). Collection method: clinical testing. Allele origin: germline.
Comment: In summary, the available evidence is currently insufficient to determine the role of this variant in disease. Therefore, it has been classified as a Variant of Uncertain Significance. Algorithms developed to predict the effect of missense changes on protein structure and function are either unavailable or do not agree on the potential impact of this missense change (SIFT: "Deleterious"; PolyPhen-2: "Probably Damaging"; Align-GVGD: "Class C0"). This variant has not been reported in the literature in individuals affected with ZNF469-related conditions. The frequency data for this variant in the population databases is considered unreliable, as metrics indicate insufficient coverage at this position in the ExAC database. This sequence change replaces aspartic acid with tyrosine at codon 3310 of the ZNF469 protein (p.Asp3310Tyr). The aspartic acid residue is moderately conserved and there is a large physicochemical difference between aspartic acid and tyrosine.